The following is an entry in ClinVar:

NM_000088.4(COL1A1):c.3569G>A (p.Gly1190Asp)

Gene: COL1A1 (collagen type I alpha 1 chain; minus strand). Cytogenetic location: 17q21.33.
Variant type: single nucleotide variant.
Coding change: c.3569G>A on transcript NM_000088.4 (MANE Select); coding-DNA position 3569, G replaced by A.
Protein change: p.Gly1190Asp; replaces glycine 1190 with aspartic acid.
Molecular consequence: missense variant.
Genome position (GRCh38, 1-based): chr17:50,186,885, C>T on the plus strand (G>A on the coding strand, the complement: COL1A1 is on the minus strand). VCF-style: chr17-50186885-C-T. GRCh37 (hg19) VCF-style: chr17-48264246-C-T.
Other names: short protein forms G1190D.
Identifiers: ClinVar variation 1070188 (VCV001070188.9), dbSNP rs2144537730, ClinGen allele CA400198223.

ClinVar aggregate classification (germline): Pathogenic (1 of 4 stars; one submission).

Conditions:
Osteogenesis imperfecta type I (OI1). Also called: OI, TYPE I; OSTEOGENESIS IMPERFECTA TARDA; OSTEOGENESIS IMPERFECTA WITH BLUE SCLERAE; Lobstein disease; Osteogenesis imperfecta type 1; Lobstein's Disease. Identifiers: Orphanet 216796, Orphanet 666, MedGen C0023931, MONDO:0008146, OMIM 166200. Disease mechanism: loss of function.

Submission:

Labcorp Genetics (formerly Invitae), Labcorp
Classification: Pathogenic for Osteogenesis imperfecta type I. Last evaluated: 2022-10-07. Review status: criteria provided, single submitter. Criteria: Invitae Variant Classification Sherloc (09022015). Collection method: clinical testing. Allele origin: germline.
Comment: This sequence change replaces glycine, which is neutral and non-polar, with aspartic acid, which is acidic and polar, at codon 1190 of the COL1A1 protein (p.Gly1190Asp). This variant is not present in population databases (gnomAD no frequency). This missense change has been observed in individual(s) with osteogenesis imperfecta (PMID: 27509835, 30886339). ClinVar contains an entry for this variant (Variation ID: 1070188). Advanced modeling of protein sequence and biophysical properties (such as structural, functional, and spatial information, amino acid conservation, physicochemical variation, residue mobility, and thermodynamic stability) performed at Invitae indicates that this missense variant is expected to disrupt COL1A1 protein function. For these reasons, this variant has been classified as Pathogenic.

Literature cited by the submitters: PubMed 27509835; PubMed 30886339.